The following is an entry in ClinVar:

NM_078480.3(PUF60):c.60GGC[6] (p.Ala25dup)

Gene: PUF60 (poly(U) binding splicing factor 60; minus strand). Cytogenetic location: 8q24.3.
Variant type: Microsatellite.
Coding change: c.60GGC[6] on transcript NM_078480.3 (MANE Select); six copies in a row of the 3-base unit GGC starting at c.60; the reference has five copies in a row; one copy, 3 bases duplicated; also written c.72_74dup.
Protein change: p.Ala25dup; duplicates alanine 25.
Molecular consequence: inframe insertion. On other transcripts: 5 prime UTR variant (2), genic upstream transcript variant (2).
Genome position (GRCh38, 1-based): chr8:143,824,350-143,824,352, GCC duplicated on the plus strand (GGC on the coding strand, the reverse complement: PUF60 is on the minus strand); duplicating any 3 consecutive bases within chr8:143,824,350-143,824,365 gives the same sequence; the position shown is the placement nearest the transcript's 3' end. VCF-style (leftmost placement, unchanged base first): chr8-143824349-T-TGCC. GRCh37 (hg19) VCF-style: chr8-144906519-T-TGCC.
Other names: c.72_74dup (NM_078480.2, NM_078480.3); c.-70GGC[6] (NM_001136033.3, NM_001271100.2); c.57GGC[6], p.Ala24dup (NM_001271096.2, NM_001271098.2); c.171GGC[6], p.Ala62dup (NM_001362895.2, NM_001362896.2, NM_001362897.2); c.60GGC[6], p.Ala25dup (NM_014281.5); c.25-2451GGC[6] (NM_001271097.2, NM_001271099.2).
Identifiers: ClinVar variation 599475 (VCV000599475.36), dbSNP rs540307276, ClinGen allele CA187593235.

ClinVar aggregate classification (germline): Conflicting classifications of pathogenicity. Review status: criteria provided, conflicting classifications (1 of 4 stars). 5 submissions from 5 submitters: Uncertain significance (1); Benign (1); Likely benign (3). Last evaluated 2026-03-19.

Conditions:
8q24.3 microdeletion syndrome. Also called: CHROMOSOME 8q24.3 DELETION SYNDROME; Verheij syndrome. Identifiers: Orphanet 508488, MedGen C3810023, MONDO:0014263, OMIM 615583.

Submissions (5):

GeneDx
Classification: Uncertain significance. Last evaluated: 2026-03-19. Review status: criteria provided, single submitter. Criteria: GeneDx Variant Classification Process June 2021. Collection method: clinical testing. Allele origin: germline.
Comment: In-frame duplication of 1 amino acid(s) in a repetitive region with no known function; Has not been previously published as pathogenic or benign to our knowledge

CeGaT Center for Human Genetics Tuebingen
Classification: Likely benign. Last evaluated: 2026-03-01. Review status: criteria provided, single submitter. Criteria: CeGaT Center For Human Genetics Tuebingen Variant Classification Criteria Version 2. Collection method: clinical testing. Allele origin: germline. Affected: yes. Observed: 5 variant alleles.
Comment: PUF60: BS1

Fulgent Genetics
Classification: Likely benign for 8q24.3 microdeletion syndrome. Last evaluated: 2021-08-06. Review status: criteria provided, single submitter. Criteria: ACMG Guidelines, 2015. Collection method: clinical testing. Allele origin: unknown.

Labcorp Genetics (formerly Invitae), Labcorp
Classification: Likely benign. Last evaluated: 2019-12-31. Review status: criteria provided, single submitter. Criteria: Invitae Variant Classification Sherloc (09022015). Collection method: clinical testing. Allele origin: germline.

Institute for Genomic Medicine (IGM) Clinical Laboratory, Nationwide Children's Hospital
Classification: Benign. Last evaluated: 2017-06-02. Review status: criteria provided, single submitter. Criteria: ACMG Guidelines, 2015. Collection method: clinical testing. Allele origin: germline.
Comment: BS1, BS2, BP3; This alteration has an allele frequency that is greater than expected for the associated disease, was seen in a healthy adult where full penetrance of the disorder is expected at an early age, and is an in-frame deletion/insertion in a repetitive region without a known function.